The following is an entry in ClinVar:

NM_020745.4(AARS2):c.502T>C (p.Trp168Arg)

Gene: AARS2 (alanyl-tRNA synthetase 2, mitochondrial; minus strand). Cytogenetic location: 6p21.1.
Variant type: single nucleotide variant.
Coding change: c.502T>C on transcript NM_020745.4 (MANE Select); coding-DNA position 502, T replaced by C.
Protein change: p.Trp168Arg; replaces tryptophan 168 with arginine.
Molecular consequence: missense variant.
Genome position (GRCh38, 1-based): chr6:44,311,469, A>G on the plus strand (T>C on the coding strand, the complement: AARS2 is on the minus strand). VCF-style: chr6-44311469-A-G. GRCh37 (hg19) VCF-style: chr6-44279206-A-G.
Other names: short protein forms W168R.
Identifiers: ClinVar variation 1475720 (VCV001475720.9), dbSNP rs2153357315, ClinGen allele CA364341299.

ClinVar aggregate classification (germline): Uncertain significance (1 of 4 stars; one submission).

Submission:

Labcorp Genetics (formerly Invitae), Labcorp
Classification: Uncertain significance. Last evaluated: 2024-06-17. Review status: criteria provided, single submitter. Criteria: Invitae Variant Classification Sherloc (09022015). Collection method: clinical testing. Allele origin: germline.
Comment: This sequence change replaces tryptophan, which is neutral and slightly polar, with arginine, which is basic and polar, at codon 168 of the AARS2 protein (p.Trp168Arg). This variant is not present in population databases (gnomAD no frequency). This variant has not been reported in the literature in individuals affected with AARS2-related conditions. ClinVar contains an entry for this variant (Variation ID: 1475720). Advanced modeling of protein sequence and biophysical properties (such as structural, functional, and spatial information, amino acid conservation, physicochemical variation, residue mobility, and thermodynamic stability) performed at Invitae indicates that this missense variant is not expected to disrupt AARS2 protein function with a negative predictive value of 80%. In summary, the available evidence is currently insufficient to determine the role of this variant in disease. Therefore, it has been classified as a Variant of Uncertain Significance.